The following is an entry in ClinVar:

NM_018429.3(BDP1):c.7873T>G (p.Ter2625Glu)

Gene: BDP1 (BDP1 general transcription factor IIIB subunit; plus strand). Cytogenetic location: 5q13.2.
Variant type: single nucleotide variant.
Coding change: c.7873T>G on transcript NM_018429.3 (MANE Select); coding-DNA position 7873, T replaced by G.
Protein change: p.Ter2625Glu.
Molecular consequence: stop lost.
Genome position (GRCh38, 1-based): chr5:71,564,883, T>G. VCF-style: chr5-71564883-T-G. GRCh37 (hg19) VCF-style: chr5-70860710-T-G.
Other names: *2625E; c.7873T>G (NM_018429.2).
Identifiers: ClinVar variation 599018 (VCV000599018.8), dbSNP rs199721728, ClinGen allele CA3297629.

ClinVar aggregate classification (germline): Conflicting classifications of pathogenicity. Review status: criteria provided, conflicting classifications (1 of 4 stars). 6 submissions from 6 submitters: Pathogenic (1); Likely pathogenic (1); Likely benign (3). 1 of the submissions does not count toward it. Last evaluated 2025-07-18.

Conditions:
Hearing loss, autosomal recessive 112. Also called: DEAFNESS, AUTOSOMAL RECESSIVE 112. Identifiers: MedGen C4748855, MONDO:0032639, OMIM 618257.

Allele frequency attached by ClinVar (database versions not stated): 1000 Genomes Project 0.00040; 1000 Genomes Project 30x 0.00047; gnomAD 0.00055 and 0.00056; gnomAD exomes 0.00062 and 0.00087; TOPMed 0.00063; ExAC 0.00076; ESP Exome Variant Server 0.00077.
gnomAD v4.1: 990 of 1,583,314 alleles (0.063%); highest among the groups gnomAD compares: Middle Eastern, 0.23%; 3 homozygotes.

Submissions (6):

First Genomix Gene Laboratory, Genetic Diagnostics Department
Classification: Likely pathogenic for Hearing loss, autosomal recessive 112. Last evaluated: 2025-07-18. Review status: criteria provided, single submitter. Criteria: ACMG Guidelines, 2015. Collection method: clinical testing. Allele origin: germline. Inheritance: Autosomal recessive inheritance. Affected: no. Observed: 1 variant allele.

Blueprint Genetics
Classification: Likely benign. Last evaluated: 2024-11-22. Review status: criteria provided, single submitter. Criteria: ACMG Guidelines, 2015. Collection method: clinical testing. Allele origin: germline.

Laboratory of Prof. Karen Avraham, Tel Aviv University
Classification: Pathogenic for Hearing loss, autosomal recessive 112. Last evaluated: 2024-04-18. Review status: criteria provided, single submitter. Criteria: ACMG Guidelines, 2015. Collection method: research. Allele origin: germline. Affected: yes. Observed: 1 variant allele.
Comment: Likely pathogenic by Deafness Variation Database and pathogenic according to PMID: 24312468

DFNB112; profound HL

Genomic Medicine Center of Excellence, King Faisal Specialist Hospital and Research Centre
Classification: Likely benign for Hearing loss, autosomal recessive 112. Last evaluated: 2024-03-26. Review status: criteria provided, single submitter. Criteria: ACMG Guidelines, 2015. Collection method: clinical testing. Allele origin: germline.

GeneDx
Classification: Likely benign. Last evaluated: 2021-01-05. Review status: criteria provided, single submitter. Criteria: GeneDx Variant Classification Process June 2021. Collection method: clinical testing. Allele origin: germline. Affected: yes.
Comment: This variant is associated with the following publications: (PMID: 27884173, 24312468, 25060281)

OMIM
Classification: Pathogenic for DEAFNESS, AUTOSOMAL RECESSIVE 112 (1 family). Last evaluated: 2019-07-30. Review status: no assertion criteria provided. Collection method: literature only. Allele origin: germline. Not counted in ClinVar's aggregate classification.

Literature cited by the submitters: PubMed 24312468 (cited by OMIM).